The following is an entry in ClinVar:

NM_001365951.3(KIF1B):c.2892C>T (p.Tyr964=)

Genes: KIF1B (kinesin family member 1B; plus strand), LOC126805614 (BRD4-independent group 4 enhancer GRCh37_chr1:10385546-10386745; plus strand). Cytogenetic location: 1p36.22.
Variant type: single nucleotide variant.
Coding change: c.2892C>T on transcript NM_001365951.3 (MANE Select); coding-DNA position 2892, C replaced by T.
Protein change: p.Tyr964=; no amino-acid change (tyrosine 964 retained).
Molecular consequence: synonymous variant.
Genome position (GRCh38, 1-based): chr1:10,326,327, C>T. VCF-style: chr1-10326327-C-T. GRCh37 (hg19) VCF-style: chr1-10386385-C-T.
Other names: c.2892C>T, p.Tyr964= (NM_001365952.1); c.2754C>T, p.Tyr918= (NM_015074.3).
Identifiers: ClinVar variation 1097970 (VCV001097970.11), dbSNP rs986716280, ClinGen allele CA17836936.

ClinVar aggregate classification (germline): Conflicting classifications of pathogenicity. Review status: criteria provided, conflicting classifications (1 of 4 stars). 2 submissions from 2 submitters: Uncertain significance (1); Likely benign (1). Last evaluated 2024-11-13.

Conditions:
Charcot-Marie-Tooth disease type 2. Also called: Charcot-Marie-Tooth type 2. Identifiers: Orphanet 64746, MedGen C0270914, MONDO:0018993.

Allele frequency attached by ClinVar (database versions not stated): TOPMed 0.00001; gnomAD 0.00002 and 0.00003; gnomAD exomes below 0.00001.
gnomAD v4.1: 9 of 1,614,080 alleles (0.00056%); highest among the groups gnomAD compares: Middle Eastern, 0.016%; no homozygotes.

Submissions (2):

Labcorp Genetics (formerly Invitae), Labcorp
Classification: Likely benign for Charcot-Marie-Tooth disease type 2. Last evaluated: 2024-11-13. Review status: criteria provided, single submitter. Criteria: Invitae Variant Classification Sherloc (09022015). Collection method: clinical testing. Allele origin: germline.

Ambry Genetics
Classification: Uncertain significance. Last evaluated: 2024-01-30. Review status: criteria provided, single submitter. Criteria: Ambry Variant Classification Scheme 2023. Collection method: clinical testing. Allele origin: germline.
Comment: The c.2754C>T variant (also known as p.Y918Y), located in coding exon 24 of the KIF1B gene, results from a C to T substitution at nucleotide position 2754. This nucleotide substitution does not change the amino acid at codon 918. This nucleotide position is highly conserved in available vertebrate species. In silico splice site analysis for this alteration is inconclusive. The evidence for this gene-disease relationship is limited; therefore, the clinical significance of this alteration is unclear.